The following is an entry in ClinVar:

ClinVar aggregate classification (germline): Likely benign (1 of 4 stars; one submission).

Conditions:
PKD1-related disorder. Also called: PKD1-related condition.

Submission:

PreventionGenetics, part of Exact Sciences
Classification: Likely benign for PKD1-related condition. Last evaluated: 2026-06-22. Review status: criteria provided, single submitter. Criteria: ACMG Guidelines, 2015. Collection method: clinical testing. Allele origin: germline.
Comment: This variant is classified as likely benign based on ACMG/AMP sequence variant interpretation guidelines (Richards et al. 2015 PMID: 25741868, with internal and published modifications).

NM_001009944.3(PKD1):c.8952C>T (p.Ser2984=)

Gene: PKD1 (polycystin 1, transient receptor potential channel interacting; minus strand). Cytogenetic location: 16p13.3.
Variant type: single nucleotide variant.
Coding change: c.8952C>T on transcript NM_001009944.3 (MANE Select); coding-DNA position 8952, C replaced by T.
Protein change: p.Ser2984=; no amino-acid change (serine 2984 retained).
Molecular consequence: synonymous variant.
Genome position (GRCh38, 1-based): chr16:2,102,630, G>A on the plus strand (C>T on the coding strand, the complement: PKD1 is on the minus strand). VCF-style: chr16-2102630-G-A. GRCh37 (hg19) VCF-style: chr16-2152631-G-A.
Other names: c.8952C>T, p.Ser2984= (NM_000296.4).
Identifiers: ClinVar variation 4999023 (VCV004999023.1).